The following is an entry in ClinVar:

NC_000004.11:g.(?_55143535)_(55161439_?)dup

Gene: PDGFRA (platelet derived growth factor receptor alpha; plus strand). Cytogenetic location: 4q12.
Variant type: Duplication.
Identifiers: ClinVar variation 2425531 (VCV002425531.10).

ClinVar aggregate classification (germline): Uncertain significance (1 of 4 stars; one submission).

Conditions:
Gastrointestinal stromal tumor. Also called: Gastrointestinal stroma tumor; Gastrointestinal stromal tumor, somatic. Identifiers: Orphanet 44890, MedGen C0238198, MeSH D046152, MONDO:0011719, OMIM 606764, HP:0100723.

Submission:

Labcorp Genetics (formerly Invitae), Labcorp
Classification: Uncertain significance for Gastrointestinal stromal tumor. Last evaluated: 2022-10-15. Review status: criteria provided, single submitter. Criteria: Invitae Variant Classification Sherloc (09022015). Collection method: clinical testing. Allele origin: germline.
Comment: This variant results in a copy number gain of the genomic region encompassing exon(s) 13-23 of the PDGFRA gene. This region includes the termination codon of the gene. This copy number gain extends beyond the assayed region for this gene and therefore may encompass additional genes. As the precise location of this event is unknown, it may be in tandem or it may be located elsewhere in the genome. This variant has not been reported in the literature in individuals affected with PDGFRA-related conditions. Experimental studies and prediction algorithms are not available or were not evaluated, and the functional significance of this variant is currently unknown. In summary, the available evidence is currently insufficient to determine the role of this variant in disease. Therefore, it has been classified as a Variant of Uncertain Significance.